The following is an entry in ClinVar:

ClinVar aggregate classification (germline): Uncertain significance. Review status: criteria provided, multiple submitters, no conflicts (2 of 4 stars). 2 submissions from 2 submitters: Uncertain significance (2). Last evaluated 2023-05-20.

gnomAD v4.1: 1 of 1,614,042 alleles (0.000062%); highest among the groups gnomAD compares: African/African-American, 0.0013%; no homozygotes.

Submissions (2):

Labcorp Genetics (formerly Invitae), Labcorp
Classification: Uncertain significance. Last evaluated: 2023-05-20. Review status: criteria provided, single submitter. Criteria: Invitae Variant Classification Sherloc (09022015). Collection method: clinical testing. Allele origin: germline.
Comment: This variant has not been reported in the literature in individuals affected with EMC1-related conditions. This sequence change replaces proline, which is neutral and non-polar, with arginine, which is basic and polar, at codon 218 of the EMC1 protein (p.Pro218Arg). This variant is not present in population databases (gnomAD no frequency). Advanced modeling of protein sequence and biophysical properties (such as structural, functional, and spatial information, amino acid conservation, physicochemical variation, residue mobility, and thermodynamic stability) performed at Invitae indicates that this missense variant is expected to disrupt EMC1 protein function. In summary, the available evidence is currently insufficient to determine the role of this variant in disease. Therefore, it has been classified as a Variant of Uncertain Significance.

Blueprint Genetics
Classification: Uncertain significance. Last evaluated: 2021-03-31. Review status: criteria provided, single submitter. Criteria: ACMG Guidelines, 2015. Collection method: clinical testing. Allele origin: germline.

NM_015047.3(EMC1):c.653C>G (p.Pro218Arg)

Genes: EMC1 (ER membrane protein complex subunit 1; minus strand), EMC1-AS1 (EMC1 antisense RNA 1; plus strand). Cytogenetic location: 1p36.13.
Variant type: single nucleotide variant.
Coding change: c.653C>G on transcript NM_015047.3 (MANE Select); coding-DNA position 653, C replaced by G.
Protein change: p.Pro218Arg; replaces proline 218 with arginine.
Molecular consequence: missense variant. On other transcripts: non-coding transcript variant (1).
Genome position (GRCh38, 1-based): chr1:19,240,430, G>C on the plus strand (C>G on the coding strand, the complement: EMC1 is on the minus strand). VCF-style: chr1-19240430-G-C. GRCh37 (hg19) VCF-style: chr1-19566924-G-C.
Other names: c.653C>G, p.Pro218Arg (NM_001271427.2, NM_001271428.2, NM_001375820.1 and 1 more transcripts); c.587C>G, p.Pro196Arg (NM_001271429.2); short protein forms P196R, P218R.
Identifiers: ClinVar variation 2777975 (VCV002777975.4), dbSNP rs766355680, ClinGen allele CA338769303.